The following is an entry in ClinVar:

NM_172107.4(KCNQ2):c.1407C>T (p.Ala469=)

Gene: KCNQ2 (potassium voltage-gated channel subfamily Q member 2; minus strand). Cytogenetic location: 20q13.33.
Variant type: single nucleotide variant.
Coding change: c.1407C>T on transcript NM_172107.4 (MANE Select); coding-DNA position 1407, C replaced by T.
Protein change: p.Ala469=; no amino-acid change (alanine 469 retained).
Molecular consequence: synonymous variant.
Genome position (GRCh38, 1-based): chr20:63,415,021, G>A on the plus strand (C>T on the coding strand, the complement: KCNQ2 is on the minus strand). VCF-style: chr20-63415021-G-A. GRCh37 (hg19) VCF-style: chr20-62046374-G-A.
Other names: c.1323C>T, p.Ala441= (NM_004518.6); c.1353C>T, p.Ala451= (NM_172106.3); c.1317C>T, p.Ala439= (NM_172108.5).
Identifiers: ClinVar variation 413255 (VCV000413255.19), dbSNP rs1801385, ClinGen allele CA9958460.

ClinVar aggregate classification (germline): Benign/Likely benign. Review status: criteria provided, multiple submitters, no conflicts (2 of 4 stars). 3 submissions from 3 submitters: Benign (2); Likely benign (1). Last evaluated 2026-05-01.

Conditions:
Early-infantile DEE. Also called: Early infantile epileptic encephalopathy with suppression bursts; Early infantile epileptic encephalopathy; Ohtahara syndrome. Identifiers: Orphanet 1934, MedGen C0393706, MONDO:0800491.

Allele frequency attached by ClinVar (database versions not stated): gnomAD 0.00004 and 0.00012; gnomAD exomes 0.00014 and 0.00026; TOPMed 0.00017; ExAC 0.00027; 1000 Genomes Project 0.00120; 1000 Genomes Project 30x 0.00125.
gnomAD v4.1: 219 of 1,610,080 alleles (0.014%); highest among the groups gnomAD compares: South Asian, 0.16%; 2 homozygotes.

Submissions (3):

CeGaT Center for Human Genetics Tuebingen
Classification: Likely benign. Last evaluated: 2026-05-01. Review status: criteria provided, single submitter. Criteria: CeGaT Center For Human Genetics Tuebingen Variant Classification Criteria Version 2. Collection method: clinical testing. Allele origin: germline. Affected: yes. Observed: 2 variant alleles.
Comment: KCNQ2: BP4, BP7, BS1

Labcorp Genetics (formerly Invitae), Labcorp
Classification: Benign for Early-infantile DEE. Last evaluated: 2026-01-12. Review status: criteria provided, single submitter. Criteria: Invitae Variant Classification Sherloc (09022015). Collection method: clinical testing. Allele origin: germline.

GeneDx
Classification: Benign. Last evaluated: 2021-06-28. Review status: criteria provided, single submitter. Criteria: GeneDx Variant Classification Process June 2021. Collection method: clinical testing. Allele origin: germline. Affected: yes.